The following is an entry in ClinVar:

NM_000070.3(CAPN3):c.439C>T (p.Arg147Ter)

Genes: CAPN3 (calpain 3; plus strand), LOC126862115 (BRD4-independent group 4 enhancer GRCh37_chr15:42677734-42678933; plus strand). Cytogenetic location: 15q15.1.
Variant type: single nucleotide variant.
Coding change: c.439C>T on transcript NM_000070.3 (MANE Select); coding-DNA position 439, C replaced by T.
Protein change: p.Arg147Ter; replaces arginine 147 with a stop codon.
Molecular consequence: nonsense.
Genome position (GRCh38, 1-based): chr15:42,386,226, C>T. VCF-style: chr15-42386226-C-T. GRCh37 (hg19) VCF-style: chr15-42678424-C-T.
Other names: c.439C>T, p.Arg147Ter (NM_024344.2, NM_173087.2); short protein forms R147*.
Identifiers: ClinVar variation 242415 (VCV000242415.15), dbSNP rs878854364, ClinGen allele CA10602399.
Genomic context (GRCh38, chr15:42,386,226, plus strand): 5'-GGGGACTGCTGGTTTCTCGCAGCCATTGCCTGCCTGACCCTGAACCAGCACCTTCTTTTC[C>T]GAGTCATACCCCATGATCAAAGTTTCATCGAAAACTACGCAGGGATCTTCCACTTCCAGG-3'

ClinVar aggregate classification (germline): Pathogenic. Review status: criteria provided, multiple submitters, no conflicts (2 of 4 stars). 5 submissions from 5 submitters: Pathogenic (5). Last evaluated 2025-07-25.

Conditions:
Autosomal recessive limb-girdle muscular dystrophy type 2A (LGMDR1). Also called: Muscular dystrophy, limb-girdle, type 2A, Amish; LEYDEN-MOEBIUS MUSCULAR DYSTROPHY; MUSCULAR DYSTROPHY, PELVOFEMORAL; Limb-girdle muscular dystrophy, type 2A; Calpainopathy. Identifiers: Orphanet 267, MedGen C1869123, MONDO:0009675, OMIM 253600. Disease mechanism: loss of function.
Muscular dystrophy, limb-girdle, autosomal dominant 4. Also called: Calpain-3-related limb-girdle muscular dystrophy D4; MUSCULAR DYSTROPHY, LIMB-GIRDLE, TYPE 1I. Identifiers: Orphanet 565909, MedGen C4748295, MONDO:0029133, OMIM 618129.

Allele frequency attached by ClinVar (database versions not stated): gnomAD exomes 0.00001; TOPMed 0.00001.
gnomAD v4.1: 9 of 1,614,114 alleles (0.00056%); highest among the groups gnomAD compares: African/African-American, 0.0013%; no homozygotes.

Submissions (5):

Natera, Inc.
Classification: Pathogenic for Limb-girdle muscular dystrophy type 2A. Last evaluated: 2025-07-25. Review status: criteria provided, single submitter. Criteria: Natera Variant Classification Schema (03/2026). Collection method: clinical testing. Allele origin: germline.
Comment: The c.439C>T variant in CAPN3 is a nonsense variant predicted to introduce a stop codon at amino acid 147. This variant is expected to result in nonsense mediated decay, truncation, or a dysfunctional protein product. This variant is rare in the general population with a frequency below the threshold expected for the associated phenotype(s). This variant has been observed in one or more individuals affected with the associated recessive disease, as either homozygous or compound heterozygous with a second variant (PMID: 26436962). Given the available evidence, this variant is classified as Pathogenic.

Labcorp Genetics (formerly Invitae), Labcorp
Classification: Pathogenic for Autosomal recessive limb-girdle muscular dystrophy type 2A. Last evaluated: 2025-07-15. Review status: criteria provided, single submitter. Criteria: Invitae Variant Classification Sherloc (09022015). Collection method: clinical testing. Allele origin: germline.
Comment: This sequence change creates a premature translational stop signal (p.Arg147*) in the CAPN3 gene. It is expected to result in an absent or disrupted protein product. Loss-of-function variants in CAPN3 are known to be pathogenic (PMID: 10330340, 15689361). This variant is present in population databases (no rsID available, gnomAD 0.007%). This premature translational stop signal has been observed in individual(s) with autosomal recessive CAPN3-related conditions (PMID: 17594342, 27854218, 30107846, 33250842). ClinVar contains an entry for this variant (Variation ID: 242415). For these reasons, this variant has been classified as Pathogenic.

Baylor Genetics
Classification: Pathogenic for Muscular dystrophy, limb-girdle, autosomal dominant 4. Last evaluated: 2024-01-28. Review status: criteria provided, single submitter. Criteria: ACMG Guidelines, 2015. Collection method: clinical testing. Allele origin: unknown.

Fulgent Genetics
Classification: Pathogenic for Autosomal recessive limb-girdle muscular dystrophy type 2A; Muscular dystrophy, limb-girdle, autosomal dominant 4. Last evaluated: 2018-10-31. Review status: criteria provided, single submitter. Criteria: ACMG Guidelines, 2015. Collection method: clinical testing. Allele origin: unknown.

Eurofins Ntd Llc (ga)
Classification: Pathogenic. Last evaluated: 2016-01-15. Review status: criteria provided, single submitter. Criteria: EGL Classification Definitions 2015. Collection method: clinical testing. Allele origin: germline. Observed: 1 variant allele, 1 heterozygote.

Literature cited by the submitters: PubMed 26436962 (cited by Natera, Inc.); PubMed 10330340 (cited by Labcorp Genetics (formerly Invitae), Labcorp); PubMed 15689361 (cited by Labcorp Genetics (formerly Invitae), Labcorp); PubMed 17594342 (cited by Labcorp Genetics (formerly Invitae), Labcorp); PubMed 27854218 (cited by Labcorp Genetics (formerly Invitae), Labcorp); PubMed 30107846 (cited by Labcorp Genetics (formerly Invitae), Labcorp); PubMed 33250842 (cited by Labcorp Genetics (formerly Invitae), Labcorp).